The following is an entry in ClinVar:

NM_000520.6(HEXA):c.503C>T (p.Pro168Leu)

Gene: HEXA (hexosaminidase subunit alpha; minus strand). Cytogenetic location: 15q23.
Variant type: single nucleotide variant.
Coding change: c.503C>T on transcript NM_000520.6 (MANE Select); coding-DNA position 503, C replaced by T.
Protein change: p.Pro168Leu; replaces proline 168 with leucine.
Molecular consequence: missense variant. On other transcripts: non-coding transcript variant (1).
Genome position (GRCh38, 1-based): chr15:72,353,135, G>A on the plus strand (C>T on the coding strand, the complement: HEXA is on the minus strand). VCF-style: chr15-72353135-G-A. GRCh37 (hg19) VCF-style: chr15-72645476-G-A.
Other names: c.536C>T, p.Pro179Leu (NM_001318825.2); short protein forms P179L, P168L.
Identifiers: ClinVar variation 1434755 (VCV001434755.3), dbSNP rs1459050143, ClinGen allele CA393064954.

ClinVar aggregate classification (germline): Uncertain significance (1 of 4 stars; one submission).

Conditions:
Tay-Sachs disease (TSD). Also called: HEXA DEFICIENCY; GM2 gangliosidosis, type 1; Hexosaminidase alpha-subunit deficiency (variant B); Sphingolipidosis, Tay-Sachs; HEXA Disorders; Hexosaminidase A Deficiency. Identifiers: Orphanet 845, MedGen C0039373, MONDO:0010100, OMIM 272800.

Allele frequency attached by ClinVar (database versions not stated): gnomAD exomes below 0.00001; gnomAD 0.00001.

Submission:

Labcorp Genetics (formerly Invitae), Labcorp
Classification: Uncertain significance for Tay-Sachs disease. Last evaluated: 2021-12-20. Review status: criteria provided, single submitter. Criteria: Invitae Variant Classification Sherloc (09022015). Collection method: clinical testing. Allele origin: germline.
Comment: This sequence change replaces proline, which is neutral and non-polar, with leucine, which is neutral and non-polar, at codon 168 of the HEXA protein (p.Pro168Leu). This variant is present in population databases (no rsID available, gnomAD no frequency). This variant has not been reported in the literature in individuals affected with HEXA-related conditions. Algorithms developed to predict the effect of missense changes on protein structure and function are either unavailable or do not agree on the potential impact of this missense change (SIFT: "Tolerated"; PolyPhen-2: "Possibly Damaging"; Align-GVGD: "Class C0"). In summary, the available evidence is currently insufficient to determine the role of this variant in disease. Therefore, it has been classified as a Variant of Uncertain Significance.